The following is an entry in ClinVar:

NM_172364.5(CACNA2D4):c.2374G>A (p.Val792Met)

Gene: CACNA2D4 (calcium voltage-gated channel auxiliary subunit alpha2delta 4; minus strand). Cytogenetic location: 12p13.33.
Variant type: single nucleotide variant.
Coding change: c.2374G>A on transcript NM_172364.5 (MANE Select); coding-DNA position 2374, G replaced by A.
Protein change: p.Val792Met; replaces valine 792 with methionine.
Molecular consequence: missense variant.
Genome position (GRCh38, 1-based): chr12:1,844,498, C>T on the plus strand (G>A on the coding strand, the complement: CACNA2D4 is on the minus strand). VCF-style: chr12-1844498-C-T. GRCh37 (hg19) VCF-style: chr12-1953664-C-T.
Other names: c.2374G>A (NM_172364.4); short protein forms V792M.
Identifiers: ClinVar variation 1052370 (VCV001052370.11), dbSNP rs200749936, ClinGen allele CA6386718.

ClinVar aggregate classification (germline): Uncertain significance. Review status: criteria provided, multiple submitters, no conflicts (2 of 4 stars). 3 submissions from 3 submitters: Uncertain significance (3). Last evaluated 2025-09-25.

Conditions:
Inborn genetic diseases. Identifiers: MedGen C0950123, MeSH D030342.

Allele frequency attached by ClinVar (database versions not stated): gnomAD 0.00004 and 0.00005; gnomAD exomes 0.00005; ExAC 0.00008; 1000 Genomes Project 30x 0.00016; ESP Exome Variant Server 0.00016; 1000 Genomes Project 0.00020.
gnomAD v4.1: 54 of 1,613,388 alleles (0.0033%); highest among the groups gnomAD compares: African/African-American, 0.013%; no homozygotes.

Submissions (3):

Ambry Genetics
Classification: Uncertain significance for Inborn genetic diseases. Last evaluated: 2025-09-25. Review status: criteria provided, single submitter. Criteria: Ambry Variant Classification Scheme 2023. Collection method: clinical testing. Allele origin: germline.

Labcorp Genetics (formerly Invitae), Labcorp
Classification: Uncertain significance. Last evaluated: 2024-09-19. Review status: criteria provided, single submitter. Criteria: Invitae Variant Classification Sherloc (09022015). Collection method: clinical testing. Allele origin: germline.
Comment: This sequence change replaces valine, which is neutral and non-polar, with methionine, which is neutral and non-polar, at codon 792 of the CACNA2D4 protein (p.Val792Met). This variant is present in population databases (rs200749936, gnomAD 0.01%). This variant has not been reported in the literature in individuals affected with CACNA2D4-related conditions. ClinVar contains an entry for this variant (Variation ID: 1052370). An algorithm developed to predict the effect of missense changes on protein structure and function outputs the following: PolyPhen-2: "Benign". The methionine amino acid residue is found in multiple mammalian species, which suggests that this missense change does not adversely affect protein function. In summary, the available evidence is currently insufficient to determine the role of this variant in disease. Therefore, it has been classified as a Variant of Uncertain Significance.

Breakthrough Genomics
Classification: Uncertain significance. Review status: criteria provided, single submitter. Criteria: ACMG Guidelines, 2015. Collection method: not provided. Allele origin: germline. Inheritance: Autosomal recessive inheritance. Affected: yes.